The following is an entry in ClinVar:

NM_000486.6(AQP2):c.626T>C (p.Leu209Pro)

Genes: AQP2 (aquaporin 2; plus strand), AQP5-AS1 (AQP5 and AQP2 antisense RNA 2; minus strand). Cytogenetic location: 12q13.12.
Variant type: single nucleotide variant.
Coding change: c.626T>C on transcript NM_000486.6 (MANE Select); coding-DNA position 626, T replaced by C.
Protein change: p.Leu209Pro; replaces leucine 209 with proline.
Molecular consequence: missense variant.
Genome position (GRCh38, 1-based): chr12:49,955,418, T>C. VCF-style: chr12-49955418-T-C. GRCh37 (hg19) VCF-style: chr12-50349201-T-C.
Other names: short protein forms L209P.
Identifiers: ClinVar variation 881000 (VCV000881000.5), dbSNP rs889586478, ClinGen allele CA236735792.
Genomic context (GRCh38, chr12:49,955,418, plus strand): 5'-GCCGGCGCGGGTGCCAAGCCGCCCTCTCCGCTCGCCCCCAGGTCTTCTGGATCGGACCCC[T>C]GGTGGGCGCCATCCTGGGCTCCCTCCTCTACAACTACGTGCTGTTTCCGCCAGCCAAGAG-3'
Protein context (NP_000477.1, residues 199-219): DDHWVFWIGP[Leu209Pro]VGAILGSLLY

ClinVar aggregate classification (germline): Uncertain significance. Review status: criteria provided, multiple submitters, no conflicts (2 of 4 stars). 2 submissions from 2 submitters: Uncertain significance (2). Last evaluated 2024-08-08.

Conditions:
Diabetes insipidus, nephrogenic, autosomal (NDI2). Also called: Diabetes insipidus, nephrogenic, 2, autosomal; Nephrogenic Diabetes Insipidus, Type II. Identifiers: Orphanet 223, MedGen C1563706, MONDO:0007451, OMIM 125800.

Allele frequency attached by ClinVar (database versions not stated): TOPMed below 0.00001; gnomAD 0.00001; gnomAD exomes 0.00001.
gnomAD v4.1: 12 of 1,612,334 alleles (0.00074%); highest among the groups gnomAD compares: Non-Finnish European, 0.00076%; no homozygotes.

Submissions (2):

Women's Health and Genetics/Laboratory Corporation of America, LabCorp
Classification: Uncertain significance. Last evaluated: 2024-08-08. Review status: criteria provided, single submitter. Criteria: LabCorp Variant Classification Summary - May 2015. Collection method: clinical testing. Allele origin: germline.
Comment: Variant summary: AQP2 c.626T>C (p.Leu209Pro) results in a non-conservative amino acid change in the encoded protein sequence. Five of five in-silico tools predict a damaging effect of the variant on protein function. The variant was absent in 243844 control chromosomes. The available data on variant occurrences in the general population are insufficient to allow any conclusion about variant significance. c.626T>C has been reported in the literature in at least one compound heterozygous individual affected with Nephrogenic Diabetes Insipidus (Topak_2024). These data do not allow any conclusion about variant significance. To our knowledge, no experimental evidence demonstrating an impact on protein function has been reported. The following publication has been ascertained in the context of this evaluation (PMID: 37078890). ClinVar contains an entry for this variant (Variation ID: 881000). Based on the evidence outlined above, the variant was classified as uncertain significance.

Illumina Laboratory Services, Illumina
Classification: Uncertain significance for Diabetes insipidus, nephrogenic, autosomal. Last evaluated: 2017-04-27. Review status: criteria provided, single submitter. Criteria: ICSL Variant Classification Criteria 13 December 2019. Collection method: clinical testing. Allele origin: germline.

Literature cited by the submitters: PubMed 37078890 (cited by Women's Health and Genetics/Laboratory Corporation of America, LabCorp).